The following is an entry in ClinVar:

ClinVar aggregate classification (germline): Conflicting classifications of pathogenicity. Review status: criteria provided, conflicting classifications (1 of 4 stars). 2 submissions from 2 submitters: Uncertain significance (1); Likely benign (1). Last evaluated 2026-05-04.

Conditions:
Neurodevelopmental disorder with speech impairment and with or without seizures. Also called: Neurodevelopmental disorder with variable intellectual disability and speech impairment, with or without seizures. Identifiers: MedGen C5774252, MONDO:0859313, OMIM 620114.

Allele frequency attached by ClinVar (database versions not stated): gnomAD 0.00003; TOPMed 0.00010; gnomAD exomes 0.00005.
gnomAD v4.1: 71 of 1,520,100 alleles (0.0047%); highest among the groups gnomAD compares: Middle Eastern, 0.041%; 1 homozygote.

Submissions (2):

Centre for Medical Genetics,  Mumbai
Classification: Likely benign for Neurodevelopmental disorder with speech impairment and with or without seizures. Last evaluated: 2026-05-04. Review status: criteria provided, single submitter. Criteria: ACMG Guidelines, 2015. Collection method: provider interpretation. Allele origin: germline. Inheritance: Autosomal dominant inheritance. Affected: no. Observed: 1 variant allele, 1 heterozygote.
Comment: The variant satisfies PM2 criteria - extremely low frequency in gnomAD population databases. The variant satisfies BS2 criteria - was observed in a homozygous state in population databases more than expected for disease. The variant satisfies PP2 criteria - missense variant in a gene with low rate of benign missense mutations and for which missense mutation is a common mechanism of a disease. Hence, should be considered as a likely benign variant.

Ambry Genetics
Classification: Uncertain significance. Last evaluated: 2024-01-24. Review status: criteria provided, single submitter. Criteria: Ambry Variant Classification Scheme 2023. Collection method: clinical testing. Allele origin: germline.

Literature cited by the submitters: PubMed 33704440 (cited by Centre for Medical Genetics,  Mumbai).

NM_021096.4(CACNA1I):c.5321G>A (p.Arg1774Gln)

Gene: CACNA1I (calcium voltage-gated channel subunit alpha1 I; plus strand). Cytogenetic location: 22q13.1.
Variant type: single nucleotide variant.
Coding change: c.5321G>A on transcript NM_021096.4 (MANE Select); coding-DNA position 5321, G replaced by A.
Protein change: p.Arg1774Gln; replaces arginine 1774 with glutamine.
Molecular consequence: missense variant.
Genome position (GRCh38, 1-based): chr22:39,679,372, G>A. VCF-style: chr22-39679372-G-A. GRCh37 (hg19) VCF-style: chr22-40075377-G-A.
Other names: c.5216G>A, p.Arg1739Gln (NM_001003406.2); short protein forms R1774Q, R1739Q.
Identifiers: ClinVar variation 3136433 (VCV003136433.2), dbSNP rs925854645, ClinGen allele CA324410636.